The following is an entry in ClinVar:

NM_000138.5(FBN1):c.95G>A (p.Gly32Glu)

Gene: FBN1 (fibrillin 1; minus strand). Cytogenetic location: 15q21.1.
Variant type: single nucleotide variant.
Coding change: c.95G>A on transcript NM_000138.5 (MANE Select); coding-DNA position 95, G replaced by A.
Protein change: p.Gly32Glu; replaces glycine 32 with glutamic acid.
Molecular consequence: missense variant.
Genome position (GRCh38, 1-based): chr15:48,644,675, C>T on the plus strand (G>A on the coding strand, the complement: FBN1 is on the minus strand). VCF-style: chr15-48644675-C-T. GRCh37 (hg19) VCF-style: chr15-48936872-C-T.
Other names: short protein forms G32E.
Identifiers: ClinVar variation 1313948 (VCV001313948.3), dbSNP rs2140787667, ClinGen allele CA392453661.

ClinVar aggregate classification (germline): Uncertain significance. Review status: criteria provided, multiple submitters, no conflicts (2 of 4 stars). 2 submissions from 2 submitters: Uncertain significance (2). Last evaluated 2023-05-04.

Conditions:
Marfan syndrome (MFS). Also called: Marfan syndrome type 1; Marfan's syndrome; FBN1-Related Marfan Syndrome; MARFAN SYNDROME, TYPE I; Marfan syndrome, classic. Identifiers: Orphanet 284963, Orphanet 558, MedGen C0024796, MONDO:0007947, OMIM 154700.

Submissions (2):

All of Us Research Program, National Institutes of Health
Classification: Uncertain significance for Marfan syndrome. Last evaluated: 2023-05-04. Review status: criteria provided, single submitter. Criteria: ACMG Guidelines, 2015. Collection method: clinical testing. Allele origin: germline. Inheritance: Autosomal dominant inheritance. Observed: 1 variant allele, 1 heterozygote.
Comment: This missense variant replaces glycine with glutamic acid at codon 32 of the FBN1 protein. Computational prediction suggests that this variant may not impact protein structure and function (internally defined REVEL score threshold <= 0.5, PMID: 27666373). To our knowledge, functional studies have not been reported for this variant. This variant has not been reported in individuals affected with FBN1-related disorders in the literature. This variant has not been identified in the general population by the Genome Aggregation Database (gnomAD). The available evidence is insufficient to determine the role of this variant in disease conclusively. Therefore, this variant is classified as a Variant of Uncertain Significance.

This study involves interpretation of variants in research participants for the purpose of population health screening. Participant phenotype was not available at the time of variant classification. Additional details can be found in publication PMID: 35346344, PMCID: PMC8962531

GeneDx
Classification: Uncertain significance. Last evaluated: 2020-02-05. Review status: criteria provided, single submitter. Criteria: GeneDx Variant Classification Process June 2021. Collection method: clinical testing. Allele origin: germline. Affected: yes.
Comment: Has not been previously published as pathogenic or benign to our knowledge; Not observed in large population cohorts (Lek et al., 2016); In silico analysis supports that this missense variant has a deleterious effect on protein structure/function; Does not affect a cysteine residue within a calcium-binding EGF-like domain of the FBN1 gene; cysteine substitutions in the calcium-binding EGF-like domains represent the majority of pathogenic missense changes associated with FBN1-related disorders (Collod-Beroud et al., 2003).